The following is an entry in ClinVar:

ClinVar aggregate classification (germline): Benign (0 of 4 stars; one submission).

Conditions:
XIRP2-related disorder. Also called: XIRP2-related condition.

Allele frequency attached by ClinVar (database versions not stated): ExAC 0.12630; ESP Exome Variant Server 0.14652; gnomAD 0.15225; TOPMed 0.15570; 1000 Genomes Project 30x 0.17208; 1000 Genomes Project 0.17272.
gnomAD v4.1: 178,557 of 1,613,358 alleles (11%); highest among the groups gnomAD compares: African/African-American, 27%; 11,416 homozygotes.

Submission:

PreventionGenetics, part of Exact Sciences
Classification: Benign for XIRP2-related condition. Last evaluated: 2019-11-06. Review status: no assertion criteria provided. Collection method: clinical testing. Allele origin: germline.
Comment: This variant is classified as benign based on ACMG/AMP sequence variant interpretation guidelines (Richards et al. 2015 PMID: 25741868, with internal and published modifications).

NM_152381.6(XIRP2):c.6468A>C (p.Thr2156=)

Gene: XIRP2 (xin actin binding repeat containing 2; plus strand). Cytogenetic location: 2q24.3.
Variant type: single nucleotide variant.
Coding change: c.6468A>C on transcript NM_152381.6 (MANE Select); coding-DNA position 6468, A replaced by C.
Protein change: p.Thr2156=; no amino-acid change (threonine 2156 retained).
Molecular consequence: synonymous variant. On other transcripts: intron variant (3).
Genome position (GRCh38, 1-based): chr2:167,247,860, A>C. VCF-style: chr2-167247860-A-C. GRCh37 (hg19) VCF-style: chr2-168104370-A-C.
Other names: c.5802A>C, p.Thr1934= (NM_001199144.2); c.1275+5950A>C (NM_001199143.2); c.1176+5950A>C (NM_001079810.4); c.510+5950A>C (NM_001199145.2).
Identifiers: ClinVar variation 3057237 (VCV003057237.2), dbSNP rs61748715, ClinGen allele CA1947420.
Genomic context (GRCh38, chr2:167,247,860, plus strand): 5'-GGAGGGTTTTCATATAAAGAGTCCTAAAAAGACCAAAAATATTAAAATATTAACTGATAC[A>C]CAAAGCTCCAAGCCCAGTCCCACCCAGCATCCAGTCAGCATGCCAGTTGGAGGAACTTAC-3'
Protein context (NP_689594.4, residues 2146-2166): KTKNIKILTD[Thr2156=]QSSKPSPTQH